The following is an entry in ClinVar:

ClinVar aggregate classification (germline): Uncertain significance. Review status: criteria provided, multiple submitters, no conflicts (2 of 4 stars). 2 submissions from 2 submitters: Uncertain significance (2). Last evaluated 2024-04-30.

Conditions:
Pitt-Hopkins-like syndrome 2 (PTHSL2). Identifiers: Orphanet 221150, Orphanet 600663, MedGen C3280479, MONDO:0013690, OMIM 614325.

gnomAD v4.1: 12 of 1,613,948 alleles (0.00074%); highest among the groups gnomAD compares: Non-Finnish European, 0.001%; no homozygotes.

Submissions (2):

Labcorp Genetics (formerly Invitae), Labcorp
Classification: Uncertain significance for Pitt-Hopkins-like syndrome 2. Last evaluated: 2024-04-30. Review status: criteria provided, single submitter. Criteria: Invitae Variant Classification Sherloc (09022015). Collection method: clinical testing. Allele origin: germline.
Comment: This sequence change replaces valine, which is neutral and non-polar, with leucine, which is neutral and non-polar, at codon 610 of the NRXN1 protein (p.Val610Leu). This variant is not present in population databases (gnomAD no frequency). This variant has not been reported in the literature in individuals affected with NRXN1-related conditions. ClinVar contains an entry for this variant (Variation ID: 1315662). An algorithm developed to predict the effect of missense changes on protein structure and function (PolyPhen-2) suggests that this variant is likely to be tolerated. In summary, the available evidence is currently insufficient to determine the role of this variant in disease. Therefore, it has been classified as a Variant of Uncertain Significance.

GeneDx
Classification: Uncertain significance. Last evaluated: 2021-03-15. Review status: criteria provided, single submitter. Criteria: GeneDx Variant Classification Process June 2021. Collection method: clinical testing. Allele origin: germline. Affected: yes.
Comment: Not observed in large population cohorts (Lek et al., 2016); In silico analysis supports that this missense variant does not alter protein structure/function; Has not been previously published as pathogenic or benign to our knowledge

NM_001330078.2(NRXN1):c.1708G>C (p.Val570Leu)

Gene: NRXN1 (neurexin 1; minus strand). Cytogenetic location: 2p16.3.
Variant type: single nucleotide variant.
Coding change: c.1708G>C on transcript NM_001330078.2 (MANE Select); coding-DNA position 1708, G replaced by C.
Protein change: p.Val570Leu; replaces valine 570 with leucine.
Molecular consequence: missense variant.
Genome position (GRCh38, 1-based): chr2:50,552,638, C>G on the plus strand (G>C on the coding strand, the complement: NRXN1 is on the minus strand). VCF-style: chr2-50552638-C-G. GRCh37 (hg19) VCF-style: chr2-50779776-C-G.
Other names: c.1684G>C, p.Val562Leu (NM_001330082.2, NM_001330095.2, NM_001330077.2); c.1669G>C, p.Val557Leu (NM_001330083.2, NM_001330084.2); c.1708G>C, p.Val570Leu (NM_001330085.2, NM_001330086.2, NM_004801.6); c.1624G>C, p.Val542Leu (NM_001330087.2, NM_001330096.2); c.1654G>C, p.Val552Leu (NM_001330088.2); c.1705G>C, p.Val569Leu (NM_001330093.2); c.1696G>C, p.Val566Leu (NM_001330094.2); c.1828G>C, p.Val610Leu (NM_001135659.3); short protein forms V542L, V552L, V557L, V562L, V566L, V569L, V570L, V610L.
Identifiers: ClinVar variation 1315662 (VCV001315662.5), dbSNP rs201874756, ClinGen allele CA47332527.